The following is an entry in ClinVar:

ClinVar aggregate classification (germline): Pathogenic (1 of 4 stars; one submission).

Conditions:
Neuronal ceroid lipofuscinosis. Also called: Neuronal Ceroid Lipofuscinoses. Identifiers: Orphanet 216, Orphanet 79263, MedGen C0027877, MONDO:0016295. Disease mechanism: loss of function.

Submission:

Labcorp Genetics (formerly Invitae), Labcorp
Classification: Pathogenic for Neuronal ceroid lipofuscinosis. Last evaluated: 2023-01-08. Review status: criteria provided, single submitter. Criteria: Invitae Variant Classification Sherloc (09022015). Collection method: clinical testing. Allele origin: germline.
Comment: For these reasons, this variant has been classified as Pathogenic. This variant disrupts a region of the CLN5 protein in which other variant(s) (p.Tyr392*) have been determined to be pathogenic (PMID: 9662406; Invitae). This suggests that this is a clinically significant region of the protein, and that variants that disrupt it are likely to be disease-causing. This variant has not been reported in the literature in individuals affected with CLN5-related conditions. This variant is not present in population databases (gnomAD no frequency). This sequence change creates a premature translational stop signal (p.Phe298Serfs*5) in the CLN5 gene. While this is not anticipated to result in nonsense mediated decay, it is expected to disrupt the last 110 amino acid(s) of the CLN5 protein.

Literature cited by the submitters: PubMed 9662406.

NM_006493.4(CLN5):c.743_744dup (p.Phe249fs)

Gene: CLN5 (CLN5 lysosomal BMP synthase; plus strand). Cytogenetic location: 13q22.3.
Variant type: Microsatellite.
Coding change: c.743_744dup on transcript NM_006493.4 (MANE Select); coding-DNA positions 743 to 744, 2 bases duplicated (AG; older notation c.743_744dupAG).
Protein change: p.Phe249fs; shifts the reading frame from phenylalanine 249.
Molecular consequence: frameshift variant. On other transcripts: 3 prime UTR variant (1).
Genome position (GRCh38, 1-based): chr13:77,000,635-77,000,636, AG duplicated; duplicating any 2 consecutive bases within chr13:77,000,633-77,000,636 gives the same sequence; the c. name uses the placement nearest the transcript's 3' end. VCF-style (leftmost placement, unchanged base first): chr13-77000632-C-CAG. GRCh37 (hg19) VCF-style: chr13-77574767-C-CAG.
Other names: c.*190AG[3] (NM_001366624.2); short protein forms F249fs.
Identifiers: ClinVar variation 2825254 (VCV002825254.3), dbSNP rs2501155694, ClinGen allele CA2739277686.
Genomic context (GRCh38, chr13:77,000,632, plus strand): 5'-ATTCCTACGACTGTTCCAAATTTGTGTTAAGGACCTTTAACAAGTTGGCTGAATTTGGAG[C>CAG]AGAGTTCAAGAACATAGAAACCAACTATACAAGAATATTTCTTTACAGTGGAGAACCTAC-3'